The following is an entry in ClinVar:

NM_138694.4(PKHD1):c.6383del (p.Ile2127_Leu2128insTer)

Gene: PKHD1 (PKHD1 ciliary IPT domain containing fibrocystin/polyductin; minus strand). Cytogenetic location: 6p12.2.
Variant type: Deletion.
Coding change: c.6383del on transcript NM_138694.4 (MANE Select); coding-DNA position 6383, one base deleted (T; older notation c.6383delT).
Protein change: p.Ile2127_Leu2128insTer.
Molecular consequence: nonsense.
Genome position (GRCh38, 1-based): chr6:51,911,906, A deleted on the plus strand (T on the coding strand, the reverse complement: PKHD1 is on the minus strand); the first of 4 consecutive A bases (chr6:51,911,906-51,911,909); deleting any one gives the same sequence. VCF-style (leftmost placement, unchanged base first): chr6-51911905-TA-T. GRCh37 (hg19) VCF-style: chr6-51776703-TA-T.
Other names: c.6383del, p.Ile2127_Leu2128insTer (NM_170724.3).
Identifiers: ClinVar variation 557288 (VCV000557288.17), dbSNP rs1405067373, ClinGen allele CA567636103.

ClinVar aggregate classification (germline): Pathogenic. Review status: criteria provided, multiple submitters, no conflicts (2 of 4 stars). 6 submissions from 6 submitters: Pathogenic (5). 1 of the submissions does not count toward it. Last evaluated 2026-01-26.

Conditions:
Autosomal recessive polycystic kidney disease (ARPKD). Also called: AR polycystic kidney disease. Identifiers: Orphanet 731, Orphanet 8378, MedGen C0085548, MeSH D017044, MONDO:0009889.
Polycystic kidney disease 4 (PKD4). Also called: Autosomal Recessive Polycystic Kidney Disease – PKHD1; POLYCYSTIC KIDNEY AND HEPATIC DISEASE 1; POLYCYSTIC KIDNEY DISEASE, INFANTILE, TYPE I; PKD3; POLYCYSTIC KIDNEY DISEASE 4 WITH OR WITHOUT POLYCYSTIC LIVER DISEASE. Identifiers: MedGen C4540575, MONDO:0033004, OMIM 263200.

Submissions (6):

Natera, Inc.
Classification: Pathogenic for Autosomal recessive polycystic kidney disease. Last evaluated: 2026-01-26. Review status: criteria provided, single submitter. Criteria: Natera Variant Classification Schema (03/2026). Collection method: clinical testing. Allele origin: germline.
Comment: The c.6383delT variant in PKHD1 is a frameshift variant predicted to shift the reading frame and introduce a stop codon. This variant is expected to result in nonsense mediated decay, truncation, or a dysfunctional protein product. This variant is rare in the general population with a frequency below the threshold expected for the associated phenotype(s). This variant has been observed in one or more individuals affected with the associated recessive disease, as either homozygous or compound heterozygous with a second variant (PMID: 33532864). Given the available evidence, this variant is classified as Pathogenic.

Labcorp Genetics (formerly Invitae), Labcorp
Classification: Pathogenic for Autosomal recessive polycystic kidney disease. Last evaluated: 2025-12-08. Review status: criteria provided, single submitter. Criteria: Invitae Variant Classification Sherloc (09022015). Collection method: clinical testing. Allele origin: germline.
Comment: This sequence change creates a premature translational stop signal (p.Leu2128*) in the PKHD1 gene. It is expected to result in an absent or disrupted protein product. Loss-of-function variants in PKHD1 are known to be pathogenic (PMID: 19940839). This variant is present in population databases (no rsID available, gnomAD 0.003%). This premature translational stop signal has been observed in individuals with polycystic kidney disease (PMID: 12846734, 15805161, 25701400). ClinVar contains an entry for this variant (Variation ID: 557288). For these reasons, this variant has been classified as Pathogenic.

Fulgent Genetics
Classification: Pathogenic for Polycystic kidney disease 4. Last evaluated: 2024-06-03. Review status: criteria provided, single submitter. Criteria: ACMG Guidelines, 2015. Collection method: clinical testing. Allele origin: germline.

Women's Health and Genetics/Laboratory Corporation of America, LabCorp
Classification: Pathogenic for Autosomal recessive polycystic kidney disease. Last evaluated: 2021-03-30. Review status: criteria provided, single submitter. Criteria: LabCorp Variant Classification Summary - May 2015. Collection method: clinical testing. Allele origin: germline.
Comment: Variant summary: PKHD1 c.6383delT (p.Leu2128X) results in a premature termination codon, predicted to cause a truncation of the encoded protein or absence of the protein due to nonsense mediated decay, which are commonly known mechanisms for disease. Truncations downstream of this position have been classified as pathogenic by our laboratory. The variant allele was found at a frequency of 4e-06 in 249998 control chromosomes. c.6383delT has been reported in the literature in individuals affected with Polycystic Kidney And Hepatic Disease (example, Rossetti_2003, Krall_2014). These data indicate that the variant is likely to be associated with disease. To our knowledge, no experimental evidence demonstrating an impact on protein function has been reported. One clinical diagnostic laboratory and another research curator have submitted clinical-significance assessments for this variant to ClinVar after 2014 and classified the variant as pathogenic. Based on the evidence outlined above, the variant was classified as pathogenic.

Molecular Biology Laboratory, Fundació Puigvert
Classification: Pathogenic for Polycystic kidney disease 4. Last evaluated: 2020-02-01. Review status: criteria provided, single submitter. Criteria: ACMG Guidelines, 2015. Collection method: research. Allele origin: paternal. Affected: yes. Study: KidneyPanel_2020.

Counsyl
Classification: Pathogenic for Polycystic kidney disease 4. Last evaluated: 2018-03-21. Review status: no assertion criteria provided. Collection method: clinical testing. Allele origin: unknown. Not counted in ClinVar's aggregate classification.

Literature cited by the submitters: PubMed 33532864 (cited by Natera, Inc. and Molecular Biology Laboratory, Fundació Puigvert); PubMed 19940839 (cited by Labcorp Genetics (formerly Invitae), Labcorp); PubMed 12846734 (cited by 3 submitters); PubMed 15805161 (cited by Labcorp Genetics (formerly Invitae), Labcorp); PubMed 25701400 (cited by Labcorp Genetics (formerly Invitae), Labcorp); PubMed 24162162 (cited by Women's Health and Genetics/Laboratory Corporation of America, LabCorp and Counsyl).